The following is an entry in ClinVar:

NM_000069.3(CACNA1S):c.2055G>C (p.Lys685Asn)

Gene: CACNA1S (calcium voltage-gated channel subunit alpha1 S; minus strand). Cytogenetic location: 1q32.1.
Variant type: single nucleotide variant.
Coding change: c.2055G>C on transcript NM_000069.3 (MANE Select); coding-DNA position 2055, G replaced by C.
Protein change: p.Lys685Asn; replaces lysine 685 with asparagine.
Molecular consequence: missense variant.
Genome position (GRCh38, 1-based): chr1:201,074,514, C>G on the plus strand (G>C on the coding strand, the complement: CACNA1S is on the minus strand). VCF-style: chr1-201074514-C-G. GRCh37 (hg19) VCF-style: chr1-201043642-C-G.
Other names: p.Lys685Asn; short protein forms K685N.
Identifiers: ClinVar variation 840513 (VCV000840513.17), dbSNP rs200844059, ClinGen allele CA078760.
Genomic context (GRCh38, chr1:201,074,514, plus strand): 5'-CCATGGCCACGACTGAGCACTCCAGGTCCCTTCCTGCTAAGGAAGCACTCACTTGGACAT[C>G]TTCCTGCGTTTTTTCTCCTCAGCCTTGGCCTTCTGGGCAGAAGTCAGGCTCTCCGCCTCG-3'
Protein context (NP_000060.2, residues 675-695): KAKAEEKKRR[Lys685Asn]MSKGLPDKSE

ClinVar aggregate classification (germline): Conflicting classifications of pathogenicity. Review status: criteria provided, conflicting classifications (1 of 4 stars). 7 submissions from 7 submitters: Uncertain significance (6); Benign (1). Last evaluated 2025-12-22.

Conditions:
Thyrotoxic periodic paralysis, susceptibility to, 1 (TTPP1). Identifiers: Orphanet 79102, MedGen C2749982, MONDO:0008570, OMIM 188580.
Hypokalemic periodic paralysis, type 1. Also called: Hypokalemic Periodic Paralysis Type 1 (AD); HypoPP. Identifiers: Orphanet 681, MedGen C3714580, MONDO:0042979, OMIM 170400.
Malignant hyperthermia, susceptibility to, 5 (MHS5). Also called: CACNA1S-Related Malignant Hyperthermia Susceptibility. Identifiers: Orphanet 423, MedGen C1866077, MONDO:0011163, OMIM 601887.

Allele frequency attached by ClinVar (database versions not stated): gnomAD exomes 0.00001 and 0.00007; ExAC 0.00002; gnomAD 0.00003; TOPMed 0.00003.
gnomAD v4.1: 102 of 1,610,038 alleles (0.0063%); highest among the groups gnomAD compares: Non-Finnish European, 0.0085%; no homozygotes.

Submissions (7):

Labcorp Genetics (formerly Invitae), Labcorp
Classification: Benign for Hypokalemic periodic paralysis, type 1; Malignant hyperthermia, susceptibility to, 5. Last evaluated: 2025-12-22. Review status: criteria provided, single submitter. Criteria: Invitae Variant Classification Sherloc (09022015). Collection method: clinical testing. Allele origin: germline.

All of Us Research Program, National Institutes of Health
Classification: Uncertain significance for Malignant hyperthermia, susceptibility to, 5. Last evaluated: 2024-07-20. Review status: criteria provided, single submitter. Criteria: ACMG Guidelines, 2015. Collection method: clinical testing. Allele origin: germline. Inheritance: Autosomal dominant inheritance. Observed: 12 variant alleles, 12 heterozygotes.
Comment: This missense variant replaces lysine with asparagine at codon 685 of the CACNA1S protein. Computational prediction suggests that this variant may not impact protein structure and function (internally defined REVEL score threshold <= 0.5, PMID: 27666373). To our knowledge, functional studies have not been reported for this variant. This variant has not been reported in individuals affected with malignant hyperthermia in the literature. This variant has been identified in 4/282180 chromosomes in the general population by the Genome Aggregation Database (gnomAD). The available evidence is insufficient to determine the role of this variant in disease conclusively. Therefore, this variant is classified as a Variant of Uncertain Significance.

This study involves interpretation of variants in research participants for the purpose of population health screening. Participant phenotype was not available at the time of variant classification. Additional details can be found in publication PMID: 35346344, PMCID: PMC8962531

Color Diagnostics, LLC DBA Color Health
Classification: Uncertain significance for Malignant hyperthermia, susceptibility to, 5. Last evaluated: 2024-03-06. Review status: criteria provided, single submitter. Criteria: ACMG Guidelines, 2015. Collection method: clinical testing. Allele origin: germline.
Comment: This missense variant replaces lysine with asparagine at codon 685 of the CACNA1S protein. Computational prediction suggests that this variant may not impact protein structure and function. To our knowledge, functional studies have not been reported for this variant. This variant has not been reported in individuals affected with malignant hyperthermia in the literature. This variant has been identified in 4/282180 chromosomes in the general population by the Genome Aggregation Database (gnomAD). The available evidence is insufficient to determine the role of this variant in disease conclusively. Therefore, this variant is classified as a Variant of Uncertain Significance.

Women's Health and Genetics/Laboratory Corporation of America, LabCorp
Classification: Uncertain significance. Last evaluated: 2023-12-13. Review status: criteria provided, single submitter. Criteria: LabCorp Variant Classification Summary - May 2015. Collection method: clinical testing. Allele origin: germline.
Comment: Variant summary: CACNA1S c.2055G>C (p.Lys685Asn) results in a non-conservative amino acid change in the encoded protein sequence. Four of five in-silico tools predict a damaging effect of the variant on protein function. The variant allele was found at a frequency of 1.2e-05 in 250774 control chromosomes (gnomAD). The available data on variant occurrences in the general population are insufficient to allow any conclusion about variant significance. To our knowledge, no occurrence of c.2055G>C in individuals affected with Hypokalemic Periodic Paralysis and no experimental evidence demonstrating its impact on protein function have been reported. Three submitters have cited clinical-significance assessments for this variant to ClinVar after 2014 and classified the variant as VUS (n=2) or benign (n=1). Based on the evidence outlined above, the variant was classified as uncertain significance.

Mayo Clinic Laboratories, Mayo Clinic
Classification: Uncertain significance. Last evaluated: 2023-12-07. Review status: criteria provided, single submitter. Criteria: ACMG Guidelines, 2015. Collection method: clinical testing. Allele origin: germline. Observed: 1 variant allele.

GeneDx
Classification: Uncertain significance. Last evaluated: 2022-06-28. Review status: criteria provided, single submitter. Criteria: GeneDx Variant Classification Process June 2021. Collection method: clinical testing. Allele origin: germline. Affected: yes.
Comment: Not observed at significant frequency in large population cohorts (gnomAD); In silico analysis supports that this missense variant has a deleterious effect on protein structure/function; Has not been previously published as pathogenic or benign to our knowledge

Fulgent Genetics
Classification: Uncertain significance for Hypokalemic periodic paralysis, type 1; Thyrotoxic periodic paralysis, susceptibility to, 1; Malignant hyperthermia, susceptibility to, 5. Last evaluated: 2021-10-15. Review status: criteria provided, single submitter. Criteria: ACMG Guidelines, 2015. Collection method: clinical testing. Allele origin: unknown.